The following is an entry in ClinVar:

ClinVar aggregate classification (germline): Uncertain significance (1 of 4 stars; one submission).

Submission:

CeGaT Center for Human Genetics Tuebingen
Classification: Uncertain significance. Last evaluated: 2023-05-01. Review status: criteria provided, single submitter. Criteria: CeGaT Center For Human Genetics Tuebingen Variant Classification Criteria Version 2. Collection method: clinical testing. Allele origin: germline. Affected: yes. Observed: 1 variant allele.
Comment: MYH11: PM2, BP4

NM_002474.3(MYH11):c.633+3G>A

Gene: MYH11 (myosin heavy chain 11; minus strand). Cytogenetic location: 16p13.11.
Variant type: single nucleotide variant.
Coding change: c.633+3G>A on transcript NM_002474.3 (MANE Select); 3 bases into the intron after coding-DNA position 633, G replaced by A.
Molecular consequence: intron variant.
Genome position (GRCh38, 1-based): chr16:15,786,627, C>T on the plus strand (G>A on the coding strand, the complement: MYH11 is on the minus strand). VCF-style: chr16-15786627-C-T. GRCh37 (hg19) VCF-style: chr16-15880484-C-T.
Other names: c.633+3G>A (NM_022844.3, NM_001040114.2, NM_001040113.2).
Identifiers: ClinVar variation 2570932 (VCV002570932.27), dbSNP rs2506655819, ClinGen allele CA2580613429.